The following is an entry in ClinVar:

NM_000179.3(MSH6):c.737A>C (p.Lys246Thr)

Gene: MSH6 (mutS homolog 6; plus strand). Cytogenetic location: 2p16.3.
Variant type: single nucleotide variant.
Coding change: c.737A>C on transcript NM_000179.3 (MANE Select); coding-DNA position 737, A replaced by C.
Protein change: p.Lys246Thr; replaces lysine 246 with threonine.
Molecular consequence: missense variant. On other transcripts: 5 prime UTR variant (9), non-coding transcript variant (4), intron variant (1).
Genome position (GRCh38, 1-based): chr2:47,798,720, A>C. VCF-style: chr2-47798720-A-C. GRCh37 (hg19) VCF-style: chr2-48025859-A-C.
Other names: c.347A>C, p.Lys116Thr (NM_001281492.2); c.-170A>C (NM_001281493.2, NM_001281494.2, NM_001406811.1 and 6 more transcripts); c.833A>C, p.Lys278Thr (NM_001406795.1, NM_001406802.1); c.737A>C, p.Lys246Thr (NM_001406796.1, NM_001406798.1, NM_001406800.1 and 4 more transcripts); c.440A>C, p.Lys147Thr (NM_001406797.1, NM_001406801.1, NM_001406805.1 and 10 more transcripts); c.212A>C, p.Lys71Thr (NM_001406799.1, NM_001406806.1, NM_001406807.1); c.659A>C, p.Lys220Thr (NM_001406804.1); c.743A>C, p.Lys248Thr (NM_001406813.1); and 2 more; short protein forms K116T, K147T, K190T, K220T, K246T, K248T, K278T, K71T.
Identifiers: ClinVar variation 4860424 (VCV004860424.1).

ClinVar aggregate classification (germline): Uncertain significance (1 of 4 stars; one submission).

Conditions:
Hereditary cancer-predisposing syndrome. Also called: Neoplastic Syndromes, Hereditary; Tumor predisposition; Hereditary Cancer Syndrome; Hereditary neoplastic syndrome. Identifiers: Orphanet 140162, MedGen C0027672, MeSH D009386, MONDO:0015356.

Submission:

Ambry Genetics
Classification: Uncertain significance for Hereditary cancer-predisposing syndrome. Last evaluated: 2026-06-06. Review status: criteria provided, single submitter. Criteria: Ambry Variant Classification Scheme 2023. Collection method: clinical testing. Allele origin: germline.
Comment: The p.K246T variant (also known as c.737A>C), located in coding exon 4 of the MSH6 gene, results from an A to C substitution at nucleotide position 737. The lysine at codon 246 is replaced by threonine, an amino acid with similar properties. This amino acid position is conserved. In addition, the in silico prediction for this alteration is inconclusive. Based on the available evidence, the clinical significance of this variant remains unclear.